The following is an entry in ClinVar:

ClinVar aggregate classification (germline): Uncertain significance (1 of 4 stars; one submission).

Conditions:
Cardiovascular phenotype. Identifiers: MedGen CN230736.

Submission:

Ambry Genetics
Classification: Uncertain significance for Cardiovascular phenotype. Last evaluated: 2023-09-23. Review status: criteria provided, single submitter. Criteria: Ambry Variant Classification Scheme 2023. Collection method: clinical testing. Allele origin: germline.
Comment: The p.Q1716H variant (also known as c.5148G>C), located in coding exon 32 of the MYH6 gene, results from a G to C substitution at nucleotide position 5148. The glutamine at codon 1716 is replaced by histidine, an amino acid with highly similar properties. This amino acid position is conserved. In addition, this alteration is predicted to be tolerated by in silico analysis. Since supporting evidence is limited at this time, the clinical significance of this alteration remains unclear.

NM_002471.4(MYH6):c.5148G>C (p.Gln1716His)

Genes: MYH6 (myosin heavy chain 6; minus strand), LOC126861896 (BRD4-independent group 4 enhancer GRCh37_chr14:23854904-23856103; plus strand). Cytogenetic location: 14q11.2.
Variant type: single nucleotide variant.
Coding change: c.5148G>C on transcript NM_002471.4 (MANE Select); coding-DNA position 5148, G replaced by C.
Protein change: p.Gln1716His; replaces glutamine 1716 with histidine.
Molecular consequence: missense variant.
Genome position (GRCh38, 1-based): chr14:23,385,943, C>G on the plus strand (G>C on the coding strand, the complement: MYH6 is on the minus strand). VCF-style: chr14-23385943-C-G. GRCh37 (hg19) VCF-style: chr14-23855152-C-G.
Other names: short protein forms Q1716H.
Identifiers: ClinVar variation 3222351 (VCV003222351.1), dbSNP rs936703258, ClinGen allele CA388989078.
Genomic context (GRCh38, chr14:23,385,943, plus strand): 5'-TCTGCACTCAGTAGGTTTCCACAAGGTGGCTCCTGACCCCCTCACCTGGGAATGCAGCAG[C>G]TGCACCCGCTCGCTGGTCTCAATCAGCTCCTGCTCCGCCAGCTTCCGGGACCGCTCTGTC-3'
Protein context (NP_002462.2, residues 1706-1726): QELIETSERV[Gln1716His]LLHSQNTSLI